The following is an entry in ClinVar:

ClinVar aggregate classification (germline): Benign (1 of 4 stars; one submission).

Allele frequency attached by ClinVar (database versions not stated): gnomAD exomes 0.04439; 1000 Genomes Project 0.04613; 1000 Genomes Project 30x 0.04981; gnomAD 0.05318 and 0.05468; TOPMed 0.05726.
gnomAD v4.1: 22,969 of 482,762 alleles (4.8%); highest among the groups gnomAD compares: Middle Eastern, 10%; 641 homozygotes.

Submission:

GeneDx
Classification: Benign. Last evaluated: 2018-06-18. Review status: criteria provided, single submitter. Criteria: GeneDx Variant Classification (06012015). Collection method: clinical testing. Allele origin: germline. Affected: yes.
Comment: This variant is considered likely benign or benign based on one or more of the following criteria: it is a conservative change, it occurs at a poorly conserved position in the protein, it is predicted to be benign by multiple in silico algorithms, and/or has population frequency not consistent with disease.

NM_002907.4(RECQL):c.1798-231T>C

Genes: PYROXD1 (pyridine nucleotide-disulphide oxidoreductase domain 1; plus strand), RECQL (RecQ like helicase; minus strand). Cytogenetic location: 12p12.1.
Variant type: single nucleotide variant.
Coding change: c.1798-231T>C on transcript NM_002907.4 (MANE Select); 231 bases into the intron before coding-DNA position 1798, T replaced by C.
Molecular consequence: intron variant. On other transcripts: 3 prime UTR variant (3).
Genome position (GRCh38, 1-based): chr12:21,470,577, A>G on the plus strand (T>C on the coding strand, the complement: RECQL is on the minus strand). VCF-style: chr12-21470577-A-G. GRCh37 (hg19) VCF-style: chr12-21623511-A-G.
Other names: c.*1823A>G (NM_001350912.2, NM_001350913.2, NM_024854.5); c.1798-231T>C (NM_032941.3).
Identifiers: ClinVar variation 679712 (VCV000679712.1), dbSNP rs71530950, ClinGen allele CA15725642.